The following is an entry in ClinVar:

ClinVar aggregate classification (germline): Uncertain significance (1 of 4 stars; one submission).

Submission:

Labcorp Genetics (formerly Invitae), Labcorp
Classification: Uncertain significance. Last evaluated: 2024-03-24. Review status: criteria provided, single submitter. Criteria: Invitae Variant Classification Sherloc (09022015). Collection method: clinical testing. Allele origin: germline.
Comment: This sequence change replaces lysine, which is basic and polar, with glutamine, which is neutral and polar, at codon 558 of the EMC1 protein (p.Lys558Gln). This variant is not present in population databases (gnomAD no frequency). This variant has not been reported in the literature in individuals affected with EMC1-related conditions. Advanced modeling of protein sequence and biophysical properties (such as structural, functional, and spatial information, amino acid conservation, physicochemical variation, residue mobility, and thermodynamic stability) performed at Invitae indicates that this missense variant is not expected to disrupt EMC1 protein function with a negative predictive value of 80%. In summary, the available evidence is currently insufficient to determine the role of this variant in disease. Therefore, it has been classified as a Variant of Uncertain Significance.

NM_015047.3(EMC1):c.1672A>C (p.Lys558Gln)

Genes: EMC1 (ER membrane protein complex subunit 1; minus strand), EMC1-AS1 (EMC1 antisense RNA 1; plus strand). Cytogenetic location: 1p36.13.
Variant type: single nucleotide variant.
Coding change: c.1672A>C on transcript NM_015047.3 (MANE Select); coding-DNA position 1672, A replaced by C.
Protein change: p.Lys558Gln; replaces lysine 558 with glutamine.
Molecular consequence: missense variant.
Genome position (GRCh38, 1-based): chr1:19,232,734, T>G on the plus strand (A>C on the coding strand, the complement: EMC1 is on the minus strand). VCF-style: chr1-19232734-T-G. GRCh37 (hg19) VCF-style: chr1-19559228-T-G.
Other names: c.1669A>C, p.Lys557Gln (NM_001271427.2, NM_001271428.2); c.1606A>C, p.Lys536Gln (NM_001271429.2); c.1681A>C, p.Lys561Gln (NM_001375820.1); c.1678A>C, p.Lys560Gln (NM_001375821.1); short protein forms K558Q, K557Q, K536Q, K560Q, K561Q.
Identifiers: ClinVar variation 3644312 (VCV003644312.2).